The following is an entry in ClinVar:

NM_001105206.3(LAMA4):c.1078-201A>T

Gene: LAMA4 (laminin subunit alpha 4; minus strand). Cytogenetic location: 6q21.
Variant type: single nucleotide variant.
Coding change: c.1078-201A>T on transcript NM_001105206.3 (MANE Select); 201 bases into the intron before coding-DNA position 1078, A replaced by T.
Molecular consequence: intron variant.
Genome position (GRCh38, 1-based): chr6:112,178,433, T>A on the plus strand (A>T on the coding strand, the complement: LAMA4 is on the minus strand). VCF-style: chr6-112178433-T-A. GRCh37 (hg19) VCF-style: chr6-112499635-T-A.
Other names: c.1057-201A>T (NM_002290.5, NM_001105207.3).
Identifiers: ClinVar variation 675660 (VCV000675660.1), dbSNP rs9487839, ClinGen allele CA144878155.

ClinVar aggregate classification (germline): Benign (1 of 4 stars; one submission).

Allele frequency attached by ClinVar (database versions not stated): gnomAD exomes 0.00331; 1000 Genomes Project 30x 0.02530; 1000 Genomes Project 0.02536; gnomAD 0.02685 and 0.02890; TOPMed 0.02988.
gnomAD v4.1: 5,524 of 566,952 alleles (0.97%); highest among the groups gnomAD compares: African/African-American, 9%; 213 homozygotes.

Submission:

GeneDx
Classification: Benign. Last evaluated: 2018-06-18. Review status: criteria provided, single submitter. Criteria: GeneDx Variant Classification (06012015). Collection method: clinical testing. Allele origin: germline. Affected: yes.
Comment: This variant is considered likely benign or benign based on one or more of the following criteria: it is a conservative change, it occurs at a poorly conserved position in the protein, it is predicted to be benign by multiple in silico algorithms, and/or has population frequency not consistent with disease.